The following is an entry in ClinVar:

ClinVar aggregate classification (germline): Pathogenic (1 of 4 stars; one submission).

Conditions:
Nephronophthisis. Also called: Juvenile Nephronophthisis. Identifiers: Orphanet 655, MedGen C0687120, MONDO:0019005, HP:0000090.

Allele frequency attached by ClinVar (database versions not stated): TOPMed 0.00002.

Submission:

Labcorp Genetics (formerly Invitae), Labcorp
Classification: Pathogenic for Nephronophthisis. Last evaluated: 2020-08-21. Review status: criteria provided, single submitter. Criteria: Invitae Variant Classification Sherloc (09022015). Collection method: clinical testing. Allele origin: germline.
Comment: For these reasons, this variant has been classified as Pathogenic. Nucleotide substitutions within the consensus splice site are a relatively common cause of aberrant splicing (PMID: 17576681, 9536098). Algorithms developed to predict the effect of sequence changes on RNA splicing suggest that this variant may disrupt the consensus splice site, but this prediction has not been confirmed by published transcriptional studies. Disruption of this splice site has been observed to segregate with nephronopthisis in families (PMID: 12872122, 21866095, 23188109). This variant is not present in population databases (ExAC no frequency). This sequence change affects a donor splice site in the last intron (intron 26) of the NPHP3 gene. While this is not anticipated to result in nonsense mediated decay, it likely alters RNA splicing and results in a disrupted protein product.

Literature cited by the submitters: PubMed 17576681; PubMed 9536098; PubMed 12872122; PubMed 21866095; PubMed 23188109.

NM_153240.5(NPHP3):c.3812+1G>T

Genes: NPHP3 (nephrocystin 3; minus strand), NPHP3-ACAD11 (NPHP3-ACAD11 readthrough (NMD candidate); minus strand). Cytogenetic location: 3q22.1.
Variant type: single nucleotide variant.
Coding change: c.3812+1G>T on transcript NM_153240.5 (MANE Select); the canonical splice donor site of the intron after coding-DNA position 3812, G replaced by T.
Molecular consequence: splice donor variant.
Genome position (GRCh38, 1-based): chr3:132,682,702, C>A on the plus strand (G>T on the coding strand, the complement: NPHP3 is on the minus strand). VCF-style: chr3-132682702-C-A. GRCh37 (hg19) VCF-style: chr3-132401546-C-A.
Identifiers: ClinVar variation 944911 (VCV000944911.10), dbSNP rs1459151671, ClinGen allele CA354578171.